The following is an entry in ClinVar:

ClinVar aggregate classification (germline): Likely benign (0 of 4 stars; one submission).

Conditions:
PXDN-related disorder. Also called: PXDN-related condition.

gnomAD v4.1: 1 of 1,613,808 alleles (0.000062%); highest among the groups gnomAD compares: Non-Finnish European, 0.000085%; no homozygotes.

Submission:

PreventionGenetics, part of Exact Sciences
Classification: Likely benign for PXDN-related condition. Last evaluated: 2020-12-15. Review status: no assertion criteria provided. Collection method: clinical testing. Allele origin: germline.
Comment: This variant is classified as likely benign based on ACMG/AMP sequence variant interpretation guidelines (Richards et al. 2015 PMID: 25741868, with internal and published modifications).

NM_012293.3(PXDN):c.1893G>T (p.Ala631=)

Gene: PXDN (peroxidasin; minus strand). Cytogenetic location: 2p25.3.
Variant type: single nucleotide variant.
Coding change: c.1893G>T on transcript NM_012293.3 (MANE Select); coding-DNA position 1893, G replaced by T.
Protein change: p.Ala631=; no amino-acid change (alanine 631 retained).
Molecular consequence: synonymous variant.
Genome position (GRCh38, 1-based): chr2:1,654,453, C>A on the plus strand (G>T on the coding strand, the complement: PXDN is on the minus strand). VCF-style: chr2-1654453-C-A. GRCh37 (hg19) VCF-style: chr2-1658225-C-A.
Identifiers: ClinVar variation 3030409 (VCV003030409.2), dbSNP rs375951000, ClinGen allele CA424505890.